The following is an entry in ClinVar:

NM_005869.4(CWC27):c.656del (p.Asn219fs)

Gene: CWC27 (CWC27 spliceosome associated cyclophilin; plus strand). Cytogenetic location: 5q12.3.
Variant type: Deletion.
Coding change: c.656del on transcript NM_005869.4 (MANE Select); coding-DNA position 656, one base deleted (A; older notation c.656delA).
Protein change: p.Asn219fs; shifts the reading frame from asparagine 219.
Molecular consequence: frameshift variant.
Genome position (GRCh38, 1-based): chr5:64,789,007, A deleted; the last of 3 consecutive A bases (chr5:64,789,005-64,789,007); deleting any one gives the same sequence. VCF-style (leftmost placement, unchanged base first): chr5-64789004-TA-T. GRCh37 (hg19) VCF-style: chr5-64084831-TA-T.
Other names: c.656del, p.Asn219fs (NM_001297644.1, NM_001297645.2, NM_001318000.2 and 1 more transcripts); short protein forms N219fs.
Identifiers: ClinVar variation 3382465 (VCV003382465.2).

ClinVar aggregate classification (germline): Likely pathogenic (1 of 4 stars; one submission).

Conditions:
Metaphyseal chondrodysplasia-retinitis pigmentosa syndrome. Also called: Retinitis pigmentosa with or without skeletal anomalies. Identifiers: Orphanet 166035, MedGen C1855188, MONDO:0009598, OMIM 250410.

Submission:

Juno Genomics, Hangzhou Juno Genomics, Inc
Classification: Likely pathogenic for Metaphyseal chondrodysplasia-retinitis pigmentosa syndrome. Review status: criteria provided, single submitter. Criteria: ACMG Guidelines, 2015. Collection method: clinical testing. Allele origin: germline. Affected: yes.
Comment: Absent from controls (or at extremely low frequency if recessive) in Genome Aggregation Database, Exome Sequencing Project, 1000 Genomes Project, or Exome Aggregation Consortium.;Null variant in a gene where loss of function (LOF) is a known mechanism of disease.